The following is an entry in ClinVar:

ClinVar aggregate classification (germline): Benign. Review status: criteria provided, multiple submitters, no conflicts (2 of 4 stars). 10 submissions from 10 submitters: Benign (7). 3 of the submissions do not count toward it. Last evaluated 2026-02-04.

Conditions:
Amyotrophic lateral sclerosis type 1 (ALS1). Also called: AMYOTROPHIC LATERAL SCLEROSIS 1, FAMILIAL. Identifiers: Orphanet 803, MedGen C1862939, MONDO:0007103, OMIM 105400.
Charcot-Marie-Tooth disease axonal type 2CC. Also called: CHARCOT-MARIE-TOOTH NEUROPATHY, TYPE 2CC. Identifiers: MedGen C4310790, MONDO:0014836, OMIM 616924.

Allele frequency attached by ClinVar (database versions not stated): 1000 Genomes Project 0.15056; 1000 Genomes Project 30x 0.15428; ExAC 0.18187; gnomAD exomes 0.18413 and 0.20534; gnomAD 0.18965 and 0.19153; ESP Exome Variant Server 0.20098.
gnomAD v4.1: 327,523 of 1,607,302 alleles (20%); highest among the groups gnomAD compares: Middle Eastern, 23%; 34,798 homozygotes.

Submissions (10):

Labcorp Genetics (formerly Invitae), Labcorp
Classification: Benign. Last evaluated: 2026-02-04. Review status: criteria provided, single submitter. Criteria: Invitae Variant Classification Sherloc (09022015). Collection method: clinical testing. Allele origin: germline.

Mayo Clinic Laboratories, Mayo Clinic
Classification: Benign. Last evaluated: 2023-07-26. Review status: criteria provided, single submitter. Criteria: ACMG Guidelines, 2015. Collection method: clinical testing. Allele origin: germline. Observed: 662 variant alleles.
Comment: BA1

Fulgent Genetics
Classification: Benign for Amyotrophic lateral sclerosis type 1; Charcot-Marie-Tooth disease axonal type 2CC. Last evaluated: 2022-03-30. Review status: criteria provided, single submitter. Criteria: ACMG Guidelines, 2015. Collection method: clinical testing. Allele origin: unknown.

Genome-Nilou Lab
Classification: Benign for Charcot-Marie-Tooth disease axonal type 2CC. Last evaluated: 2021-09-05. Review status: criteria provided, single submitter. Criteria: ACMG Guidelines, 2015. Collection method: clinical testing. Allele origin: germline. Affected: no.

GeneDx
Classification: Benign. Last evaluated: 2021-03-30. Review status: criteria provided, single submitter. Criteria: GeneDx Variant Classification Process June 2021. Collection method: clinical testing. Allele origin: germline. Affected: yes.

Clinical Genetics DNA and cytogenetics Diagnostics Lab, Erasmus MC, Erasmus Medical Center
Classification: Benign for Amyotrophic lateral sclerosis type 1. Last evaluated: 2015-09-21. Review status: criteria provided, single submitter. Criteria: ACGS Guidelines, 2013. Collection method: clinical testing. Allele origin: germline. Affected: yes. Study: VKGL Data-share Consensus.

Breakthrough Genomics
Classification: Benign. Review status: criteria provided, single submitter. Criteria: ACMG Guidelines, 2015. Collection method: not provided. Allele origin: germline. Inheritance: Autosomal recessive inheritance. Affected: yes.

Genome Diagnostics Laboratory, Amsterdam University Medical Center
Classification: Benign for Amyotrophic lateral sclerosis type 1. Last evaluated: 2015-04-21. Review status: no assertion criteria provided. Criteria: ACGS Guidelines, 2013. Collection method: clinical testing. Allele origin: germline. Affected: yes. Study: VKGL Data-share Consensus. Not counted in ClinVar's aggregate classification.

Clinical Genetics, Academic Medical Center
Classification: Benign. Review status: no assertion criteria provided. Collection method: clinical testing. Allele origin: germline. Affected: yes. Study: VKGL Data-share Consensus. Not counted in ClinVar's aggregate classification.

Epithelial Biology;  Institute of Medical Biology, Singapore
No classification provided. Review status: no classification provided. Collection method: not provided. Allele origin: not provided. Not counted in ClinVar's aggregate classification.

NM_021076.4(NEFH):c.1844C>T (p.Pro615Leu)

Gene: NEFH (neurofilament heavy chain; plus strand). Cytogenetic location: 22q12.2.
Variant type: single nucleotide variant.
Coding change: c.1844C>T on transcript NM_021076.4 (MANE Select); coding-DNA position 1844, C replaced by T.
Protein change: p.Pro615Leu; replaces proline 615 with leucine.
Molecular consequence: missense variant.
Genome position (GRCh38, 1-based): chr22:29,489,484, C>T. VCF-style: chr22-29489484-C-T. GRCh37 (hg19) VCF-style: chr22-29885473-C-T.
Other names: p.Pro615Leu; short protein forms P615L.
Identifiers: ClinVar variation 66733 (VCV000066733.19), dbSNP rs5763269, ClinGen allele CA217640.
Genomic context (GRCh38, chr22:29,489,484, plus strand): 5'-CGGCTGAGGCCAAGTCTCCAGAGAAGGCCAAGTCCCCAGTGAAGGAAGAAGCAAAGTCAC[C>T]GGCTGAGGCCAAGTCCCCAGTGAAGGAAGAAGCAAAATCTCCAGCTGAGGTCAAGTCCCC-3'
Protein context (NP_066554.2, residues 605-625): KSPVKEEAKS[Pro615Leu]AEAKSPVKEE